The following is an entry in ClinVar:

NM_016169.4(SUFU):c.1365+5G>A

Gene: SUFU (SUFU negative regulator of hedgehog signaling; plus strand). Cytogenetic location: 10q24.32.
Variant type: single nucleotide variant.
Coding change: c.1365+5G>A on transcript NM_016169.4 (MANE Select); 5 bases into the intron after coding-DNA position 1365, G replaced by A.
Molecular consequence: intron variant.
Genome position (GRCh38, 1-based): chr10:102,627,248, G>A. VCF-style: chr10-102627248-G-A. GRCh37 (hg19) VCF-style: chr10-104387005-G-A.
Other names: c.1365+5G>A (NM_016169.3).
Identifiers: ClinVar variation 3755387 (VCV003755387.3).

ClinVar aggregate classification (germline): Uncertain significance. Review status: criteria provided, multiple submitters, no conflicts (2 of 4 stars). 2 submissions from 2 submitters: Uncertain significance (2). Last evaluated 2025-12-03.

Conditions:
Hereditary cancer-predisposing syndrome. Also called: Neoplastic Syndromes, Hereditary; Tumor predisposition; Hereditary Cancer Syndrome; Hereditary neoplastic syndrome. Identifiers: Orphanet 140162, MedGen C0027672, MeSH D009386, MONDO:0015356.
Gorlin syndrome. Also called: Nevoid Basal Cell Carcinoma Syndrome; Basal cell nevus syndrome. Identifiers: Orphanet 377, MedGen C0004779, MONDO:0007187.
Medulloblastoma (MDB). Also called: Medulloblastoma, somatic; MEDULLOBLASTOMA PREDISPOSITION SYNDROME. Identifiers: Orphanet 616, MedGen C0025149, MeSH D008527, MONDO:0007959, OMIM 155255, HP:0002885.

Submissions (2):

Ambry Genetics
Classification: Uncertain significance for Hereditary cancer-predisposing syndrome. Last evaluated: 2025-12-03. Review status: criteria provided, single submitter. Criteria: Ambry Variant Classification Scheme 2023. Collection method: clinical testing. Allele origin: germline.
Comment: The c.1365+5G>A intronic variant results from a G to A substitution 5 nucleotides after coding exon 11 in the SUFU gene. This nucleotide position is highly conserved in available vertebrate species. In silico splice site analysis predicts that this alteration will weaken the native splice donor site. Based on the available evidence, the clinical significance of this variant remains unclear.

Labcorp Genetics (formerly Invitae), Labcorp
Classification: Uncertain significance for Gorlin syndrome; Medulloblastoma. Last evaluated: 2024-03-19. Review status: criteria provided, single submitter. Criteria: Invitae Variant Classification Sherloc (09022015). Collection method: clinical testing. Allele origin: germline.
Comment: This sequence change falls in intron 11 of the SUFU gene. It does not directly change the encoded amino acid sequence of the SUFU protein. It affects a nucleotide within the consensus splice site. This variant is not present in population databases (gnomAD no frequency). This variant has not been reported in the literature in individuals affected with SUFU-related conditions. Variants that disrupt the consensus splice site are a relatively common cause of aberrant splicing (PMID: 17576681, 9536098). Algorithms developed to predict the effect of sequence changes on RNA splicing suggest that this variant may disrupt the consensus splice site. In summary, the available evidence is currently insufficient to determine the role of this variant in disease. Therefore, it has been classified as a Variant of Uncertain Significance.

Literature cited by the submitters: PubMed 17576681 (cited by Labcorp Genetics (formerly Invitae), Labcorp); PubMed 9536098 (cited by Labcorp Genetics (formerly Invitae), Labcorp).